The following is an entry in ClinVar:

NM_170675.5(MEIS2):c.167C>A (p.Pro56Gln)

Gene: MEIS2 (Meis homeobox 2; minus strand). Cytogenetic location: 15q14.
Variant type: single nucleotide variant.
Coding change: c.167C>A on transcript NM_170675.5 (MANE Select); coding-DNA position 167, C replaced by A.
Protein change: p.Pro56Gln; replaces proline 56 with glutamine.
Molecular consequence: missense variant. On other transcripts: 5 prime UTR variant (1), non-coding transcript variant (1).
Genome position (GRCh38, 1-based): chr15:37,098,045, G>T on the plus strand (C>A on the coding strand, the complement: MEIS2 is on the minus strand). VCF-style: chr15-37098045-G-T. GRCh37 (hg19) VCF-style: chr15-37390246-G-T.
Other names: c.167C>A, p.Pro56Gln (NM_001220482.2, NM_170674.5, NM_170676.5 and 1 more transcripts); c.128C>A, p.Pro43Gln (NM_002399.4, NM_172315.3); c.-75C>A (NM_172316.3); short protein forms P56Q, P43Q.
Identifiers: ClinVar variation 1033182 (VCV001033182.1), dbSNP rs372646327, ClinGen allele CA391928988.
Genomic context (GRCh38, chr15:37,098,045, plus strand): 5'-TCCCGCTTCAAGGCGTCGTTGACAGCGGATCCCATACTGGCCGGCATGACATTGGGGTGC[G>T]GGGCGTGCGCGCCGTAGTGCTGTGTGGCGTGGAGCGGCGGCCCGTGGTTCAGGTGGTGAA-3'
Protein context (NP_733775.1, residues 46-66): HATQHYGAHA[Pro56Gln]HPNVMPASMG

ClinVar aggregate classification (germline): Uncertain significance (1 of 4 stars; one submission).

Conditions:
Cardiac malformation, cleft lip/palate, microcephaly, and digital anomalies. Also called: CLEFT PALATE, CARDIAC DEFECTS, AND IMPAIRED INTELLECTUAL DEVELOPMENT. Identifiers: MedGen C1832950, MONDO:0010970, OMIM 600987.

gnomAD v4.1: 8 of 1,613,394 alleles (0.0005%); highest among the groups gnomAD compares: Non-Finnish European, 0.00068%; no homozygotes.

Submission:

Baylor Genetics
Classification: Uncertain significance for Cardiac malformation, cleft lip/palate, microcephaly, and digital anomalies. Last evaluated: 2018-06-26. Review status: criteria provided, single submitter. Criteria: ACMG Guidelines, 2015. Collection method: clinical testing. Allele origin: unknown. Affected: yes.
Comment: This variant was determined to be of uncertain significance according to ACMG Guidelines, 2015 [PMID:25741868].